The following is an entry in ClinVar:

ClinVar aggregate classification (germline): Uncertain significance (1 of 4 stars; one submission).

Conditions:
Cardiomyopathy (CMYO). Also called: Cardiomyopathies. Identifiers: Orphanet 167848, MedGen C0878544, MONDO:0004994, HP:0001638. Inheritance: Various modes of inheritance.

Submission:

Color Diagnostics, LLC DBA Color Health
Classification: Uncertain significance for Cardiomyopathy. Last evaluated: 2025-09-11. Review status: criteria provided, single submitter. Criteria: ACMG Guidelines, 2015. Collection method: clinical testing. Allele origin: germline.
Comment: This variant is located in the 5' untranslated region of the TMEM43 gene. To our knowledge, functional studies have not been reported for this variant. This variant has not been reported in individuals affected with TMEM43-related disorders in the literature. This variant has not been identified in the general population by the Genome Aggregation Database (gnomAD). The available evidence is insufficient to determine the role of this variant in disease conclusively. Therefore, this variant is classified as a Variant of Uncertain Significance.

NM_024334.3(TMEM43):c.-15G>C

Gene: TMEM43 (transmembrane protein 43; plus strand). Cytogenetic location: 3p25.1.
Variant type: single nucleotide variant.
Coding change: c.-15G>C on transcript NM_024334.3 (MANE Select); 15 bases upstream of the start codon, G replaced by C.
Molecular consequence: 5 prime UTR variant.
Genome position (GRCh38, 1-based): chr3:14,125,179, G>C. VCF-style: chr3-14125179-G-C. GRCh37 (hg19) VCF-style: chr3-14166679-G-C.
Other names: c.-15G>C (NM_001407274.1, NM_001407275.1, NM_001407276.1 and 4 more transcripts).
Identifiers: ClinVar variation 4756460 (VCV004756460.1).